The following is an entry in ClinVar:

NM_001114753.3(ENG):c.1306C>T (p.Gln436Ter)

Genes: ENG (endoglin; minus strand), LOC102723566 (uncharacterized LOC102723566; plus strand). Cytogenetic location: 9q34.11.
Variant type: single nucleotide variant.
Coding change: c.1306C>T on transcript NM_001114753.3 (MANE Select); coding-DNA position 1306, C replaced by T.
Protein change: p.Gln436Ter; replaces glutamine 436 with a stop codon.
Molecular consequence: nonsense.
Genome position (GRCh38, 1-based): chr9:127,819,627, G>A on the plus strand (C>T on the coding strand, the complement: ENG is on the minus strand). VCF-style: chr9-127819627-G-A. GRCh37 (hg19) VCF-style: chr9-130581906-G-A.
Other names: c.1306C>T, p.Gln436Ter (NM_000118.4); c.760C>T, p.Gln254Ter (NM_001278138.2); short protein forms Q436*, Q254*.
Identifiers: ClinVar variation 439662 (VCV000439662.25), dbSNP rs1554809450, ClinGen allele CA374977979.

ClinVar aggregate classification (germline): Pathogenic. Review status: criteria provided, multiple submitters, no conflicts (2 of 4 stars). 7 submissions from 7 submitters: Pathogenic (6). 1 of the submissions does not count toward it. Last evaluated 2025-11-05.

Conditions:
Cardiovascular phenotype. Identifiers: MedGen CN230736.
Hereditary hemorrhagic telangiectasia (HHT). Also called: ORW DISEASE; Osler Weber Rendu syndrome; OSLER-RENDU-WEBER DISEASE; Osler hemorrhagic telangiectasia syndrome. Identifiers: Orphanet 774, MedGen C0039445, MONDO:0019180. Disease mechanism: loss of function.
Telangiectasia, hereditary hemorrhagic, type 1 (HHT1). Also called: Osler Weber Rendu syndrome type 1; ENG-Related Hereditary Hemorrhagic Telangiectasia. Identifiers: Orphanet 774, MedGen C4551861, MONDO:0008535, OMIM 187300. Disease mechanism: loss of function.

Allele frequency attached by ClinVar (database versions not stated): gnomAD 0.00001.

Submissions (7):

Labcorp Genetics (formerly Invitae), Labcorp
Classification: Pathogenic for Hereditary hemorrhagic telangiectasia. Last evaluated: 2025-11-05. Review status: criteria provided, single submitter. Criteria: Invitae Variant Classification Sherloc (09022015). Collection method: clinical testing. Allele origin: germline.
Comment: This sequence change creates a premature translational stop signal (p.Gln436*) in the ENG gene. It is expected to result in an absent or disrupted protein product. Loss-of-function variants in ENG are known to be pathogenic (PMID: 15879500). This variant is not present in population databases (gnomAD no frequency). This premature translational stop signal has been observed in individuals with hereditary hemorrhagic telangiectasia (PMID: 16429404, 21158752). ClinVar contains an entry for this variant (Variation ID: 439662). For these reasons, this variant has been classified as Pathogenic.

GeneDx
Classification: Pathogenic. Last evaluated: 2025-05-14. Review status: criteria provided, single submitter. Criteria: GeneDx Variant Classification Process June 2021. Collection method: clinical testing. Allele origin: germline.
Comment: Nonsense variant predicted to result in protein truncation or nonsense mediated decay in a gene for which loss of function is a known mechanism of disease; Published functional studies demonstrate this variant directly induces activating transcription factor 4 (ATF4), which controls expression of stress-adaptive genes (PMID: 38457357); Not observed at significant frequency in large population cohorts (gnomAD); This variant is associated with the following publications: (PMID: 25525159, 31220907, 32573726, 21158752, 16429404, 38457357, 34872578)

ARUP Laboratories, Molecular Genetics and Genomics, ARUP Laboratories
Classification: Pathogenic for Telangiectasia, hereditary hemorrhagic, type 1. Last evaluated: 2025-01-09. Review status: criteria provided, single submitter. Criteria: ARUP Molecular Germline Variant Investigation Process 2024. Collection method: clinical testing. Allele origin: germline.
Comment: The ENG c.1306C>T; p.Gln436Ter variant (rs1554809450; ClinVar ID: 439662) has been reported in several individuals diagnosed with hereditary hemorrhagic telangiectasia (Kitayama 2021, Koenighofer 2019, Lenato 2006). This variant is absent from the Genome Aggregation Database (v2.1.1), indicating it is not a common polymorphism. This variant induces an early termination codon and is predicted to result in a truncated protein or mRNA subject to nonsense-mediated decay. Based on the above information, the variant is considered to be pathogenic. References: Kitayama K et al. Mutational and clinical spectrum of Japanese patients with hereditary hemorrhagic telangiectasia. BMC Med Genomics. 2021 Dec 6;14(1):288. PMID: 34872578. Koenighofer M et al. Spectrum of Novel Hereditary Hemorrhagic Telangiectasia Variants in an Austrian Patient Cohort. Clin Exp Otorhinolaryngol. 2019 Nov;12(4):405-411. PMID: 31220907. Lenato GM et al. DHPLC-based mutation analysis of ENG and ALK-1 genes in HHT Italian population. Hum Mutat. 2006 Feb;27(2):213-4. PMID: 16429404.

New York Genome Center
Classification: Pathogenic for Telangiectasia, hereditary hemorrhagic, type 1. Last evaluated: 2023-07-30. Review status: criteria provided, single submitter. Criteria: NYGC Assertion Criteria 2020. Collection method: clinical testing. Allele origin: inherited. Observed: 1 variant allele, 1 heterozygote.
Comment: The inherited heterozygous c.1306C>T p.(Gln436Ter) stop-gain variant identified in the ENG gene has previously been reported in multiple individuals with hereditary hemorrhagic telangiectasia, type 1 [PMID:16429404, 21158752, 31220907, 32573726, 34872578] and it has been deposited in ClinVar as Pathogenic by multiple independent laboratories [ClinVar ID: 439662]. The c.1306C>T variant is observed as one heterozygous allele in population databases (gnomAD v2.1.1 and v3.1.2, TOPMed Freeze 8), suggesting it is not a common benign variant in the populations represented in those databases. The c.1306C>T variant is located in exon 10 of this 15-exon gene, incorporates a premature translation termination codon [p.(Gln436Ter)], and is expected to result in loss-of-function via nonsense-mediated mRNA decay. Based on available evidence, this inherited heterozygous c.1306C>T p.(Gln436Ter) variant identified in the ENG gene is classified as Pathogenic.

Ambry Genetics
Classification: Pathogenic for Cardiovascular phenotype. Last evaluated: 2019-01-28. Review status: criteria provided, single submitter. Criteria: Ambry Variant Classification Scheme 2023. Collection method: clinical testing. Allele origin: germline.
Comment: The p.Q436* pathogenic mutation (also known as c.1306C>T), located in coding exon 10 of the ENG gene, results from a C to T substitution at nucleotide position 1306. This changes the amino acid from a glutamine to a stop codon within coding exon 10. In one study, this alteration was detected in an individual with a clinical diagnosis of hereditary hemorrhagic telangiectasia (Lenato GM et al. Hum. Mutat., 2006 Feb;27:213-4). In addition to the clinical data presented in the literature, this alteration is expected to result in loss of function by premature protein truncation or nonsense-mediated mRNA decay. As such, this alteration is interpreted as a disease-causing mutation.

NIHR Bioresource Rare Diseases, University of Cambridge
Classification: Pathogenic for Telangiectasia, hereditary hemorrhagic, type 1. Last evaluated: 2018-01-01. Review status: criteria provided, single submitter. Criteria: ACMG Guidelines, 2015. Collection method: research. Allele origin: unknown. Affected: yes. Observed: 1 variant allele.
Comment: PVS1+PM2+PP4

Genetics, Medical University of Vienna
Classification: Likely pathogenic for Hereditary hemorrhagic telangiectasia. Last evaluated: 2024-11-01. Review status: no assertion criteria provided. Collection method: research. Allele origin: germline. Affected: yes. Not counted in ClinVar's aggregate classification.

Literature cited by the submitters: PubMed 15879500 (cited by Labcorp Genetics (formerly Invitae), Labcorp); PubMed 16429404 (cited by 3 submitters); PubMed 21158752 (cited by Labcorp Genetics (formerly Invitae), Labcorp and New York Genome Center); PubMed 31220907 (cited by New York Genome Center and Genetics, Medical University of Vienna); PubMed 32573726 (cited by New York Genome Center and NIHR Bioresource Rare Diseases, University of Cambridge); PubMed 3487257 (cited by New York Genome Center).